The following is an entry in ClinVar:

ClinVar aggregate classification (germline): Uncertain significance (1 of 4 stars; one submission).

Allele frequency attached by ClinVar (database versions not stated): TOPMed below 0.00001; ExAC 0.00001; gnomAD exomes 0.00001.
gnomAD v4.1: 3 of 1,613,910 alleles (0.00019%); highest among the groups gnomAD compares: Non-Finnish European, 0.00025%; no homozygotes.

Submission:

Labcorp Genetics (formerly Invitae), Labcorp
Classification: Uncertain significance. Last evaluated: 2022-10-14. Review status: criteria provided, single submitter. Criteria: Invitae Variant Classification Sherloc (09022015). Collection method: clinical testing. Allele origin: germline.
Comment: This variant has not been reported in the literature in individuals affected with FREM2-related conditions. In summary, the available evidence is currently insufficient to determine the role of this variant in disease. Therefore, it has been classified as a Variant of Uncertain Significance. Advanced modeling of protein sequence and biophysical properties (such as structural, functional, and spatial information, amino acid conservation, physicochemical variation, residue mobility, and thermodynamic stability) performed at Invitae indicates that this missense variant is not expected to disrupt FREM2 protein function. This variant is present in population databases (rs766260880, gnomAD 0.0009%). This sequence change replaces serine, which is neutral and polar, with phenylalanine, which is neutral and non-polar, at codon 1261 of the FREM2 protein (p.Ser1261Phe).

NM_207361.6(FREM2):c.3782C>T (p.Ser1261Phe)

Gene: FREM2 (FRAS1 related extracellular matrix 2; plus strand). Cytogenetic location: 13q13.3.
Variant type: single nucleotide variant.
Coding change: c.3782C>T on transcript NM_207361.6 (MANE Select); coding-DNA position 3782, C replaced by T.
Protein change: p.Ser1261Phe; replaces serine 1261 with phenylalanine.
Molecular consequence: missense variant.
Genome position (GRCh38, 1-based): chr13:38,691,126, C>T. VCF-style: chr13-38691126-C-T. GRCh37 (hg19) VCF-style: chr13-39265263-C-T.
Other names: short protein forms S1261F.
Identifiers: ClinVar variation 1719200 (VCV001719200.4), dbSNP rs766260880, ClinGen allele CA6954849.
Genomic context (GRCh38, chr13:38,691,126, plus strand): 5'-AGCTGATAAATGGCACGGTTTTGGTCGAAAGCTTCACCTTGGATCAGATCATAGAGAGTT[C>T]CAGCATTATTTATGAGCATGATGACTCCGAGACCCAGGAAGACAGTTTTGTGATTAAACT-3'
Protein context (NP_997244.4, residues 1251-1271): SFTLDQIIES[Ser1261Phe]SIIYEHDDSE